The following is an entry in ClinVar:

ClinVar aggregate classification (germline): Uncertain significance (1 of 4 stars; one submission).

Conditions:
Alagille syndrome due to a NOTCH2 point mutation. Also called: Alagille syndrome 2. Identifiers: Orphanet 261629, Orphanet 52, MedGen C1857761, MONDO:0012439, OMIM 610205.

Submission:

MVZ Medizinische Genetik Mainz
Classification: Uncertain significance for Alagille syndrome due to a NOTCH2 point mutation. Last evaluated: 2024-05-07. Review status: criteria provided, single submitter. Criteria: UK Practice Guidelines For Variant Classification V4 01 2020. Collection method: clinical testing. Allele origin: germline. Inheritance: Autosomal dominant inheritance. Affected: yes. Observed: 1 variant allele.
Comment: ACMG Criteria: PP3_MOD,PM2_SUP,PP2

NM_024408.4(NOTCH2):c.1141A>C (p.Ser381Arg)

Gene: NOTCH2 (notch receptor 2; minus strand). Cytogenetic location: 1p12.
Variant type: single nucleotide variant.
Coding change: c.1141A>C on transcript NM_024408.4 (MANE Select); coding-DNA position 1141, A replaced by C.
Protein change: p.Ser381Arg; replaces serine 381 with arginine.
Molecular consequence: missense variant.
Genome position (GRCh38, 1-based): chr1:119,968,200, T>G on the plus strand (A>C on the coding strand, the complement: NOTCH2 is on the minus strand). VCF-style: chr1-119968200-T-G. GRCh37 (hg19) VCF-style: chr1-120510823-T-G.
Other names: c.1141A>C, p.Ser381Arg (NM_001200001.2); short protein forms S381R.
Identifiers: ClinVar variation 3256691 (VCV003256691.1).